The following is an entry in ClinVar:

ClinVar aggregate classification (germline): Uncertain significance (1 of 4 stars; one submission).

Allele frequency attached by ClinVar (database versions not stated): gnomAD 0.00001; gnomAD exomes 0.00001; TOPMed below 0.00001; ExAC 0.00001.
gnomAD v4.1: 12 of 1,613,982 alleles (0.00074%); highest among the groups gnomAD compares: East Asian, 0.0045%; no homozygotes.

Submission:

Labcorp Genetics (formerly Invitae), Labcorp
Classification: Uncertain significance. Last evaluated: 2025-12-15. Review status: criteria provided, single submitter. Criteria: Invitae Variant Classification Sherloc (09022015). Collection method: clinical testing. Allele origin: germline.
Comment: This sequence change replaces valine, which is neutral and non-polar, with isoleucine, which is neutral and non-polar, at codon 71 of the RGR protein (p.Val71Ile). This variant is present in population databases (rs774404884, gnomAD 0.0009%). This variant has not been reported in the literature in individuals affected with RGR-related conditions. ClinVar contains an entry for this variant (Variation ID: 2786291). An algorithm developed to predict the effect of missense changes on protein structure and function outputs the following: PolyPhen-2: "Not Available". The isoleucine amino acid residue is found in multiple mammalian species, which suggests that this missense change does not adversely affect protein function. In summary, the available evidence is currently insufficient to determine the role of this variant in disease. Therefore, it has been classified as a Variant of Uncertain Significance.

NM_001012720.2(RGR):c.211G>A (p.Val71Ile)

Gene: RGR (retinal G protein coupled receptor; plus strand). Cytogenetic location: 10q23.1.
Variant type: single nucleotide variant.
Coding change: c.211G>A on transcript NM_001012720.2 (MANE Select); coding-DNA position 211, G replaced by A.
Protein change: p.Val71Ile; replaces valine 71 with isoleucine.
Molecular consequence: missense variant.
Genome position (GRCh38, 1-based): chr10:84,247,722, G>A. VCF-style: chr10-84247722-G-A. GRCh37 (hg19) VCF-style: chr10-86007478-G-A.
Other names: c.211G>A, p.Val71Ile (NM_001012722.2, NM_002921.4); short protein forms V71I.
Identifiers: ClinVar variation 2786291 (VCV002786291.3), dbSNP rs774404884, ClinGen allele CA5581328.